The following is an entry in ClinVar:

NM_002907.4(RECQL):c.99del (p.Glu34fs)

Gene: RECQL (RecQ like helicase; minus strand). Cytogenetic location: 12p12.1.
Variant type: Deletion.
Coding change: c.99del on transcript NM_002907.4 (MANE Select); coding-DNA position 99, one base deleted (A; older notation c.99delA).
Protein change: p.Glu34fs; shifts the reading frame from glutamic acid 34.
Molecular consequence: frameshift variant.
Genome position (GRCh38, 1-based): chr12:21,491,634, T deleted on the plus strand (A on the coding strand, the reverse complement: RECQL is on the minus strand); the first of 2 consecutive T bases (chr12:21,491,634-21,491,635); deleting either gives the same sequence. VCF-style (leftmost placement, unchanged base first): chr12-21491633-CT-C. GRCh37 (hg19) VCF-style: chr12-21644567-CT-C.
Other names: c.99del, p.Glu34fs (NM_032941.3); short protein forms E34fs.
Identifiers: ClinVar variation 2586018 (VCV002586018.2), dbSNP rs2540405348, ClinGen allele CA2582342492.

ClinVar aggregate classification (germline): Uncertain significance (1 of 4 stars; one submission).

Submission:

Ambry Genetics
Classification: Uncertain significance. Last evaluated: 2023-09-01. Review status: criteria provided, single submitter. Criteria: Ambry Variant Classification Scheme 2023. Collection method: clinical testing. Allele origin: germline.
Comment: The c.99delA variant, located in coding exon 2 of the RECQL gene, results from a deletion of one nucleotide at nucleotide position 99, causing a translational frameshift with a predicted alternate stop codon (p.E34Sfs*9). This alteration is expected to result in loss of function by premature protein truncation or nonsense-mediated mRNA decay. The evidence for this gene-disease relationship is limited; therefore, the clinical significance of this alteration is unclear.